The following is an entry in ClinVar:

ClinVar aggregate classification (germline): Uncertain significance (1 of 4 stars; one submission).

Conditions:
Cardiomyopathy (CMYO). Also called: Cardiomyopathies. Identifiers: Orphanet 167848, MedGen C0878544, MONDO:0004994, HP:0001638. Inheritance: Various modes of inheritance.

Submission:

Color Diagnostics, LLC DBA Color Health
Classification: Uncertain significance for Cardiomyopathy. Last evaluated: 2019-11-05. Review status: criteria provided, single submitter. Criteria: ACMG Guidelines, 2015. Collection method: clinical testing. Allele origin: germline.
Comment: This variant changes 1 nucleotide in exon 15 of the DSG2 gene, creating a premature translation stop signal. This truncation occurs in the last exon that encodes a cytoplasmic region. This variant is expected to result in an absent or non-functional protein product. To our knowledge, functional studies have not been performed for this variant. This variant has not been reported in individuals affected with cardiovascular disorders in the literature. This variant has not been identified in the general population by the Genome Aggregation Database (gnomAD). The available evidence is insufficient to determine the role of this variant in disease conclusively. Therefore, this variant is classified as a Variant of Uncertain Significance.

NM_001943.5(DSG2):c.2488G>T (p.Gly830Ter)

Genes: DSG2 (desmoglein 2; plus strand), DSG2-AS1 (DSG2 antisense RNA 1; minus strand). Cytogenetic location: 18q12.1.
Variant type: single nucleotide variant.
Coding change: c.2488G>T on transcript NM_001943.5 (MANE Select); coding-DNA position 2488, G replaced by T.
Protein change: p.Gly830Ter; replaces glycine 830 with a stop codon.
Molecular consequence: nonsense. On other transcripts: non-coding transcript variant (1).
Genome position (GRCh38, 1-based): chr18:31,545,874, G>T. VCF-style: chr18-31545874-G-T. GRCh37 (hg19) VCF-style: chr18-29125837-G-T.
Other names: short protein forms G830*.
Identifiers: ClinVar variation 924229 (VCV000924229.3), dbSNP rs2073302369, ClinGen allele CA402144703.
Genomic context (GRCh38, chr18:31,545,874, plus strand): 5'-TCTATTGGTTGTTGCAGTTTTATTGAAGGAGAGCTAGATGACCGCTTCTTAGATGATTTG[G>T]GACTTAAATTCAAGACACTAGCTGAAGTTTGCCTGGGTCAAAAAATAGATATAAATAAGG-3'